The following is an entry in ClinVar:

ClinVar aggregate classification (germline): Uncertain significance (1 of 4 stars; one submission).

gnomAD v4.1: 1 of 1,516,106 alleles (0.000066%); no homozygotes.

Submission:

Ambry Genetics
Classification: Uncertain significance. Last evaluated: 2025-01-05. Review status: criteria provided, single submitter. Criteria: Ambry Variant Classification Scheme 2023. Collection method: clinical testing. Allele origin: germline.
Comment: The p.T1463N variant (also known as c.4388C>A), located in coding exon 14 of the CDK12 gene, results from a C to A substitution at nucleotide position 4388. The threonine at codon 1463 is replaced by asparagine, an amino acid with similar properties. This amino acid position is conserved. In addition, this alteration is predicted to be tolerated by in silico analysis. Based on the available evidence, the clinical significance of this variant remains unclear.

NM_016507.4(CDK12):c.4388C>A (p.Thr1463Asn)

Gene: CDK12 (cyclin dependent kinase 12; plus strand). Cytogenetic location: 17q12.
Variant type: single nucleotide variant.
Coding change: c.4388C>A on transcript NM_016507.4 (MANE Select); coding-DNA position 4388, C replaced by A.
Protein change: p.Thr1463Asn; replaces threonine 1463 with asparagine.
Molecular consequence: missense variant.
Genome position (GRCh38, 1-based): chr17:39,531,231, C>A. VCF-style: chr17-39531231-C-A. GRCh37 (hg19) VCF-style: chr17-37687484-C-A.
Other names: c.4361C>A, p.Thr1454Asn (NM_015083.4); short protein forms T1454N, T1463N.
Identifiers: ClinVar variation 3830454 (VCV003830454.1).
Genomic context (GRCh38, chr17:39,531,231, plus strand): 5'-TGGGGCCAGGAACCACTGGGGCCAGCAGCTCAGGAGCAGGCCTTCACTGGGGGGGCCCAA[C>A]TCAGTCTTCTGCTTATGGAAAACTCTATCGGGGGCCTACAAGAGTCCCACCAAGAGGGGG-3'
Protein context (NP_057591.2, residues 1453-1473): SGAGLHWGGP[Thr1463Asn]QSSAYGKLYR